The following is an entry in ClinVar:

ClinVar aggregate classification (germline): Uncertain significance (1 of 4 stars; one submission).

Submission:

Labcorp Genetics (formerly Invitae), Labcorp
Classification: Uncertain significance. Last evaluated: 2022-06-23. Review status: criteria provided, single submitter. Criteria: Invitae Variant Classification Sherloc (09022015). Collection method: clinical testing. Allele origin: germline.
Comment: A copy number gain of the genomic region encompassing the full coding sequence of the CDK5 gene has been identified. The boundaries of this event are unknown as they extend beyond the assayed region for this gene and therefore may encompass additional genes. As the precise location of this event is unknown, it may be in tandem or it may be located elsewhere in the genome. This variant has not been reported in the literature in individuals affected with CDK5-related conditions. In summary, the available evidence is currently insufficient to determine the role of this variant in disease. Therefore, it has been classified as a Variant of Uncertain Significance.

NC_000007.13:g.(?_150324807)_(152373164_?)dup

Genes: ABCB8 (ATP binding cassette subfamily B member 8; plus strand), ABCF2 (ATP binding cassette subfamily F member 2; minus strand), AGAP3 (ArfGAP with GTPase domain, ankyrin repeat and PH domain 3; plus strand), AOC1 (amine oxidase copper containing 1; plus strand), ASB10 (ankyrin repeat and SOCS box containing 10; minus strand) and 27 more. Cytogenetic location: 7q36.1.
Variant type: Duplication.
Identifiers: ClinVar variation 2425238 (VCV002425238.3).